The following is an entry in ClinVar:

NM_001278431.2(C1QTNF5):c.489C>G (p.Ser163Arg)

Genes: C1QTNF5 (C1q and TNF related 5; minus strand), MFRP (membrane frizzled-related protein; minus strand). Cytogenetic location: 11q23.3.
Variant type: single nucleotide variant.
Coding change: c.489C>G on transcript NM_001278431.2 (MANE Select); coding-DNA position 489, C replaced by G.
Protein change: p.Ser163Arg; replaces serine 163 with arginine.
Molecular consequence: missense variant. On other transcripts: 3 prime UTR variant (1).
Genome position (GRCh38, 1-based): chr11:119,339,574, G>C on the plus strand (C>G on the coding strand, the complement: C1QTNF5 is on the minus strand). VCF-style: chr11-119339574-G-C. GRCh37 (hg19) VCF-style: chr11-119210284-G-C.
Other names: C1QTNF5, SER163ARG; c.489C>G, p.Ser163Arg (NM_015645.5); c.*1385C>G (NM_031433.4); short protein forms S163R.
Identifiers: ClinVar variation 2126 (VCV000002126.21), dbSNP rs111033578, ClinGen allele CA017306.

ClinVar aggregate classification (germline): Pathogenic/Likely pathogenic. Review status: criteria provided, multiple submitters, no conflicts (2 of 4 stars). 9 submissions from 9 submitters: Pathogenic (6); Likely pathogenic (1). 2 of the submissions do not count toward it. Last evaluated 2025-11-04.

Conditions:
C1QTNF5-related disorders.
Late-onset retinal degeneration (LORD). Also called: RETINAL DEGENERATION, LATE-ONSET, AUTOSOMAL DOMINANT. Identifiers: Orphanet 67042, MedGen C1854065, MONDO:0011579, OMIM 605670. Disease mechanism: loss of function.

gnomAD v4.1: 12 of 1,613,522 alleles (0.00074%); highest among the groups gnomAD compares: Non-Finnish European, 0.001%; no homozygotes.

Submissions (9):

Labcorp Genetics (formerly Invitae), Labcorp
Classification: Pathogenic. Last evaluated: 2025-11-04. Review status: criteria provided, single submitter. Criteria: Invitae Variant Classification Sherloc (09022015). Collection method: clinical testing. Allele origin: germline.
Comment: This sequence change replaces serine, which is neutral and polar, with arginine, which is basic and polar, at codon 163 of the C1QTNF5 protein (p.Ser163Arg). This variant is not present in population databases (gnomAD no frequency). This missense change has been observed in individuals with late-onset retinal degeneration (PMID: 12944416, 23289492, 29847639). It has also been observed to segregate with disease in related individuals. This variant is also known as c.686C>G. ClinVar contains an entry for this variant (Variation ID: 2126). An algorithm developed to predict the effect of missense changes on protein structure and function (PolyPhen-2) suggests that this variant is likely to be disruptive. Experimental studies have shown that this missense change affects C1QTNF5 function (PMID: 24531000). For these reasons, this variant has been classified as Pathogenic.

3billion
Classification: Pathogenic for Late-onset retinal degeneration. Last evaluated: 2025-07-06. Review status: criteria provided, single submitter. Criteria: ACMG Guidelines, 2015. Collection method: clinical testing. Allele origin: germline. Affected: yes.
Comment: The variant is observed at an extremely low frequency in the gnomAD v4.1.0 dataset (total allele frequency: <0.001%). Predicted Consequence/Location: Missense variant In silico tool predictions suggest damaging effect of the variant on gene or gene product [REVEL: 0.73 (>=0.6, sensitivity 0.68 and specificity 0.92)]. The same nucleotide change resulting in the same amino acid change has been previously reported as pathogenic/likely pathogenic with strong evidence (ClinVar ID: VCV000002126 /PMID: 12944416). The variant has been observed in multiple (>3) similarly affected unrelated individuals (PMID: 23289492, 29847639). Therefore, this variant is classified as Pathogenic according to the recommendation of ACMG/AMP guideline.

Blueprint Genetics
Classification: Pathogenic for C1QTNF5-related disorders. Last evaluated: 2024-10-31. Review status: criteria provided, single submitter. Criteria: ACMG Guidelines, 2015. Collection method: clinical testing. Allele origin: germline. Affected: yes. Observed: 5 variant alleles.

Institute of Human Genetics, University of Leipzig Medical Center
Classification: Pathogenic for Late-onset retinal degeneration. Last evaluated: 2023-08-17. Review status: criteria provided, single submitter. Criteria: ACMG Guidelines, 2015. Collection method: clinical testing. Allele origin: unknown. Inheritance: Autosomal dominant inheritance. Affected: yes.
Comment: Criteria applied: PS1,PS3,PS4_MOD,PM1_SUP,PM2_SUP,PP3

Institute of Medical Genetics and Applied Genomics, University Hospital Tübingen
Classification: Pathogenic. Last evaluated: 2021-06-17. Review status: criteria provided, single submitter. Criteria: ACMG Guidelines, 2015. Collection method: clinical testing. Allele origin: germline. Inheritance: Autosomal dominant inheritance. Affected: yes.

GeneDx
Classification: Pathogenic. Last evaluated: 2020-01-29. Review status: criteria provided, single submitter. Criteria: GeneDx Variant Classification Process June 2021. Collection method: clinical testing. Allele origin: germline. Affected: yes.
Comment: Most common pathogenic variant associated with late-onset retinal degeneration (Hayward et al., 2003; Stanton et al., 2017); Published functional studies demonstrate a damaging effect with aggregate formation in vitro and pathological effects in mice that were similar to patients with late-onset retinal degeneration (Hayward et al., 2003; Dinculescu et al., 2015); Not observed in large population cohorts (Lek et al., 2016); In silico analysis, which includes protein predictors and evolutionary conservation, supports that this variant does not alter protein structure/function; This variant is associated with the following publications: (PMID: 29721928, 31385385, 29555955, 12944416, 26513502, 26197217, 22110650, 24531000, 22892318, 21349921, 23289492)

UCLA Clinical Genomics Center, UCLA
Classification: Likely pathogenic for Late-onset retinal degeneration. Last evaluated: 2012-06-12. Review status: criteria provided, single submitter. Criteria: Lee et al. (JAMA. 2014). Collection method: clinical testing. Allele origin: unknown. Inheritance: Autosomal dominant inheritance. Affected: yes. Study: CES.

OMIM
Classification: Pathogenic for RETINAL DEGENERATION, LATE-ONSET, AUTOSOMAL DOMINANT. Last evaluated: 2003-10-15. Review status: no assertion criteria provided. Collection method: literature only. Allele origin: germline. Not counted in ClinVar's aggregate classification.

Genomics England Pilot Project, Genomics England
Classification: Pathogenic for Late-onset retinal degeneration. Review status: no assertion criteria provided. Criteria: ACGS Guidelines, 2016. Collection method: clinical testing. Allele origin: germline. Affected: yes. Not counted in ClinVar's aggregate classification.

Literature cited by the submitters: PubMed 12944416 (cited by 3 submitters); PubMed 23289492 (cited by Labcorp Genetics (formerly Invitae), Labcorp and 3billion); PubMed 29847639 (cited by Labcorp Genetics (formerly Invitae), Labcorp and 3billion); PubMed 24531000 (cited by Labcorp Genetics (formerly Invitae), Labcorp).